The following is an entry in ClinVar:

ClinVar aggregate classification (germline): Likely benign. Review status: criteria provided, single submitter (1 of 4 stars). 2 submissions from 2 submitters: Likely benign (1). 1 of the submissions does not count toward it. Last evaluated 2024-03-01.

Conditions:
BMP1-related disorder. Also called: BMP1-related condition.

Allele frequency attached by ClinVar (database versions not stated): ExAC 0.00002; TOPMed 0.00003; gnomAD 0.00004; gnomAD exomes 0.00007; 1000 Genomes Project 30x 0.00016; 1000 Genomes Project 0.00020.
gnomAD v4.1: 110 of 1,612,050 alleles (0.0068%); highest among the groups gnomAD compares: Non-Finnish European, 0.0091%; no homozygotes.

Submissions (2):

Labcorp Genetics (formerly Invitae), Labcorp
Classification: Likely benign. Last evaluated: 2024-03-01. Review status: criteria provided, single submitter. Criteria: Invitae Variant Classification Sherloc (09022015). Collection method: clinical testing. Allele origin: germline.

PreventionGenetics, part of Exact Sciences
Classification: Likely benign for BMP1-related condition. Last evaluated: 2020-06-22. Review status: no assertion criteria provided. Collection method: clinical testing. Allele origin: germline. Not counted in ClinVar's aggregate classification.
Comment: This variant is classified as likely benign based on ACMG/AMP sequence variant interpretation guidelines (Richards et al. 2015 PMID: 25741868, with internal and published modifications).

NM_006129.5(BMP1):c.579C>T (p.Gly193=)

Gene: BMP1 (bone morphogenetic protein 1; plus strand). Cytogenetic location: 8p21.3.
Variant type: single nucleotide variant.
Coding change: c.579C>T on transcript NM_006129.5 (MANE Select); coding-DNA position 579, C replaced by T.
Protein change: p.Gly193=; no amino-acid change (glycine 193 retained).
Molecular consequence: synonymous variant. On other transcripts: non-coding transcript variant (2).
Genome position (GRCh38, 1-based): chr8:22,176,988, C>T. VCF-style: chr8-22176988-C-T. GRCh37 (hg19) VCF-style: chr8-22034501-C-T.
Other names: c.579C>T (NM_006129.4); c.579C>T, p.Gly193= (NM_001199.4).
Identifiers: ClinVar variation 2892210 (VCV002892210.5), dbSNP rs529464801, ClinGen allele CA4664313.